The following is an entry in ClinVar:

NM_000277.3(PAH):c.965C>A (p.Ala322Asp)

Gene: PAH (phenylalanine hydroxylase; minus strand). Cytogenetic location: 12q23.2.
Variant type: single nucleotide variant.
Coding change: c.965C>A on transcript NM_000277.3 (MANE Select); coding-DNA position 965, C replaced by A.
Protein change: p.Ala322Asp; replaces alanine 322 with aspartic acid.
Molecular consequence: missense variant.
Genome position (GRCh38, 1-based): chr12:102,846,899, G>T on the plus strand (C>A on the coding strand, the complement: PAH is on the minus strand). VCF-style: chr12-102846899-G-T. GRCh37 (hg19) VCF-style: chr12-103240677-G-T.
Other names: c.965C>A, p.Ala322Asp (NM_001354304.2); short protein forms A322D.
Identifiers: ClinVar variation 4818096 (VCV004818096.1).
Genomic context (GRCh38, chr12:102,846,899, plus strand): 5'-CTGAGGGCCATAGCCTATAGCACTCCACCATCCACCCAGGGAGAGAAGGGACTTACTGTG[G>T]CGAGCTTTTCAATGTATTCATCAGGTGCACCCAGAGAGGCAAGGCCAATTTCCTGTAATT-3'
Protein context (NP_000268.1, residues 312-332): GAPDEYIEKL[Ala322Asp]TIYWFTVEFG

ClinVar aggregate classification (germline): Pathogenic (1 of 4 stars; one submission).

Conditions:
Phenylketonuria (PKU). Also called: FOLLING DISEASE; OLIGOPHRENIA PHENYLPYRUVICA; Phenylketonurias; Phenylketonuria (PKU). Identifiers: Orphanet 716, MedGen C0031485, MONDO:0009861, OMIM 261600. Disease mechanism: loss of function.

Submission:

Natera, Inc.
Classification: Pathogenic for Phenylketonuria. Last evaluated: 2025-05-02. Review status: criteria provided, single submitter. Criteria: Natera Variant Classification Schema (03/2026). Collection method: clinical testing. Allele origin: germline.
Comment: The c.965C>A variant in PAH is a missense variant predicted to cause substitution of alanine to aspartic acid at amino acid 322. This variant is rare in the general population with a frequency below the threshold expected for the associated phenotype(s). This variant has been observed in one or more individuals affected with the associated recessive disease, as either homozygous or compound heterozygous with a second variant (PMID: 30050108, 29390883, 28754886). Computational prediction algorithms indicate this variant is likely to affect gene or protein function. Given the available evidence, this variant is classified as Pathogenic.

Literature cited by the submitters: PubMed 30050108; PubMed 29390883; PubMed 28754886.